The following is an entry in ClinVar:

ClinVar aggregate classification (germline): Uncertain significance (1 of 4 stars; one submission).

Allele frequency attached by ClinVar (database versions not stated): gnomAD 0.00001; TOPMed 0.00001.
gnomAD v4.1: 6 of 1,612,986 alleles (0.00037%); highest among the groups gnomAD compares: Admixed American, 0.0017%; no homozygotes.

Submission:

Labcorp Genetics (formerly Invitae), Labcorp
Classification: Uncertain significance. Last evaluated: 2022-10-16. Review status: criteria provided, single submitter. Criteria: Invitae Variant Classification Sherloc (09022015). Collection method: clinical testing. Allele origin: germline.
Comment: In summary, the available evidence is currently insufficient to determine the role of this variant in disease. Therefore, it has been classified as a Variant of Uncertain Significance. Algorithms developed to predict the effect of missense changes on protein structure and function (SIFT, PolyPhen-2, Align-GVGD) all suggest that this variant is likely to be tolerated. This variant has not been reported in the literature in individuals affected with HOMER2-related conditions. This variant is not present in population databases (gnomAD no frequency). This sequence change replaces serine, which is neutral and polar, with alanine, which is neutral and non-polar, at codon 205 of the HOMER2 protein (p.Ser205Ala).

NM_004839.4(HOMER2):c.613T>G (p.Ser205Ala)

Gene: HOMER2 (homer scaffold protein 2; minus strand). Cytogenetic location: 15q25.2.
Variant type: single nucleotide variant.
Coding change: c.613T>G on transcript NM_004839.4 (MANE Select); coding-DNA position 613, T replaced by G.
Protein change: p.Ser205Ala; replaces serine 205 with alanine.
Molecular consequence: missense variant.
Genome position (GRCh38, 1-based): chr15:82,854,682, A>C on the plus strand (T>G on the coding strand, the complement: HOMER2 is on the minus strand). VCF-style: chr15-82854682-A-C. GRCh37 (hg19) VCF-style: chr15-83523434-A-C.
Other names: c.646T>G, p.Ser216Ala (NM_199330.3); short protein forms S216A, S205A.
Identifiers: ClinVar variation 2168664 (VCV002168664.4), dbSNP rs1450934084, ClinGen allele CA393321891.
Genomic context (GRCh38, chr15:82,854,682, plus strand): 5'-TCACTGCATCCACCGTACCCACCTTGTTGCGGAGCCGGTCATTCTCATCACGGCAGATGG[A>C]GAACTGCCTCTTCCACTGCTCCACACTGGCTGCCGACTCCTGCAGTGCTGTGGTCAGCCG-3'
Protein context (NP_004830.2, residues 195-215): ASVEQWKRQF[Ser205Ala]ICRDENDRLR